The following is an entry in ClinVar:

ClinVar aggregate classification (germline): Uncertain significance. Review status: criteria provided, multiple submitters, no conflicts (2 of 4 stars). 2 submissions from 2 submitters: Uncertain significance (2). Last evaluated 2025-10-07.

Conditions:
Intellectual disability, autosomal recessive 53 (NEDHSCA). Also called: GLYCOSYLPHOSPHATIDYLINOSITOL BIOSYNTHESIS DEFECT 13; Mental retardation, autosomal recessive 53; NEURODEVELOPMENTAL DISORDER WITH OR WITHOUT HYPOTONIA, SEIZURES, AND CEREBELLAR ATROPHY. Identifiers: Orphanet 488635, MedGen C4310794, MONDO:0014832, OMIM 616917.
Inborn genetic diseases. Identifiers: MedGen C0950123, MeSH D030342.

Allele frequency attached by ClinVar (database versions not stated): gnomAD exomes below 0.00001.
gnomAD v4.1: 1 of 1,614,126 alleles (0.000062%); highest among the groups gnomAD compares: Admixed American, 0.0017%; no homozygotes.

Submissions (2):

Ambry Genetics
Classification: Uncertain significance for Inborn genetic diseases. Last evaluated: 2025-10-07. Review status: criteria provided, single submitter. Criteria: Ambry Variant Classification Scheme 2023. Collection method: clinical testing. Allele origin: germline.

Labcorp Genetics (formerly Invitae), Labcorp
Classification: Uncertain significance for Intellectual disability, autosomal recessive 53. Last evaluated: 2022-08-02. Review status: criteria provided, single submitter. Criteria: Invitae Variant Classification Sherloc (09022015). Collection method: clinical testing. Allele origin: germline.
Comment: This sequence change replaces leucine, which is neutral and non-polar, with proline, which is neutral and non-polar, at codon 404 of the PIGG protein (p.Leu404Pro). This variant is not present in population databases (gnomAD no frequency). This variant has not been reported in the literature in individuals affected with PIGG-related conditions. ClinVar contains an entry for this variant (Variation ID: 939934). Algorithms developed to predict the effect of missense changes on protein structure and function are either unavailable or do not agree on the potential impact of this missense change (SIFT: "Deleterious"; PolyPhen-2: "Probably Damaging"; Align-GVGD: "Class C0"). In summary, the available evidence is currently insufficient to determine the role of this variant in disease. Therefore, it has been classified as a Variant of Uncertain Significance.

NM_001127178.3(PIGG):c.1211T>C (p.Leu404Pro)

Gene: PIGG (phosphatidylinositol glycan anchor biosynthesis class G (EMM blood group); plus strand). Cytogenetic location: 4p16.3.
Variant type: single nucleotide variant.
Coding change: c.1211T>C on transcript NM_001127178.3 (MANE Select); coding-DNA position 1211, T replaced by C.
Protein change: p.Leu404Pro; replaces leucine 404 with proline.
Molecular consequence: missense variant. On other transcripts: 5 prime UTR variant (2), non-coding transcript variant (10), intron variant (1).
Genome position (GRCh38, 1-based): chr4:521,152, T>C. VCF-style: chr4-521152-T-C. GRCh37 (hg19) VCF-style: chr4-514941-T-C.
Other names: c.944T>C, p.Leu315Pro (NM_001289051.2, NM_001289053.2, NM_001345986.2 and 1 more transcripts); c.812T>C, p.Leu271Pro (NM_001289052.2); c.845T>C, p.Leu282Pro (NM_001289055.2); c.182T>C, p.Leu61Pro (NM_001345988.2); c.1211T>C, p.Leu404Pro (NM_001345989.2, NM_017733.5); c.-277T>C (NM_001345990.2, NM_001345991.2); c.137T>C, p.Leu46Pro (NM_001345994.2); c.848-508T>C (NM_001289057.2); and 1 more; short protein forms L271P, L282P, L46P, L315P, L404P, L61P.
Identifiers: ClinVar variation 939934 (VCV000939934.8), dbSNP rs1725738658, ClinGen allele CA355903824.